The following is an entry in ClinVar:

NM_005219.5(DIAPH1):c.1450C>G (p.Leu484Val)

Gene: DIAPH1 (diaphanous related formin 1; minus strand). Cytogenetic location: 5q31.3.
Variant type: single nucleotide variant.
Coding change: c.1450C>G on transcript NM_005219.5 (MANE Select); coding-DNA position 1450, C replaced by G.
Protein change: p.Leu484Val; replaces leucine 484 with valine.
Molecular consequence: missense variant.
Genome position (GRCh38, 1-based): chr5:141,576,241, G>C on the plus strand (C>G on the coding strand, the complement: DIAPH1 is on the minus strand). VCF-style: chr5-141576241-G-C. GRCh37 (hg19) VCF-style: chr5-140955808-G-C.
Other names: c.1423C>G, p.Leu475Val (NM_001079812.3); c.1450C>G, p.Leu484Val (NM_001314007.2); short protein forms L475V, L484V.
Identifiers: ClinVar variation 3753342 (VCV003753342.2).
Genomic context (GRCh38, chr5:141,576,241, plus strand): 5'-CTCAAAGAAAGATATACTCAAACACATGTCTTTGGTCTCTCATATGCACCTTCTTTTCCA[G>C]CTCTGCAGCTTTGGCTTCAGATTTCTCCACCTTTGTCTTATCAATCATTTGATCTGAAAA-3'
Protein context (NP_005210.3, residues 474-494): VEKSEAKAAE[Leu484Val]EKKLDSELTA

ClinVar aggregate classification (germline): Uncertain significance (1 of 4 stars; one submission).

Conditions:
Autosomal dominant nonsyndromic hearing loss 1. Also called: KONIGSMARK SYNDROME; DEAFNESS, AUTOSOMAL DOMINANT 1, WITH OR WITHOUT THROMBOCYTOPENIA. Identifiers: Orphanet 90635, MedGen C1852282, MONDO:0007424, OMIM 124900.
Progressive microcephaly-seizures-cortical blindness-developmental delay syndrome. Also called: Seizures, cortical blindness, and microcephaly syndrome. Identifiers: Orphanet 477814, MedGen C5567650, MONDO:0014714, OMIM 616632.

Submission:

Labcorp Genetics (formerly Invitae), Labcorp
Classification: Uncertain significance for Progressive microcephaly-seizures-cortical blindness-developmental delay syndrome; Autosomal dominant nonsyndromic hearing loss 1. Last evaluated: 2024-02-16. Review status: criteria provided, single submitter. Criteria: Invitae Variant Classification Sherloc (09022015). Collection method: clinical testing. Allele origin: germline.
Comment: This sequence change replaces leucine, which is neutral and non-polar, with valine, which is neutral and non-polar, at codon 484 of the DIAPH1 protein (p.Leu484Val). This variant is not present in population databases (gnomAD no frequency). This variant has not been reported in the literature in individuals affected with DIAPH1-related conditions. Experimental studies and prediction algorithms are not available or were not evaluated, and the functional significance of this variant is currently unknown. In summary, the available evidence is currently insufficient to determine the role of this variant in disease. Therefore, it has been classified as a Variant of Uncertain Significance.